The following is an entry in ClinVar:

NM_004371.4(COPA):c.1606G>A (p.Asp536Asn)

Gene: COPA (coat protein complex I subunit alpha; minus strand). Cytogenetic location: 1q23.2.
Variant type: single nucleotide variant.
Coding change: c.1606G>A on transcript NM_004371.4 (MANE Select); coding-DNA position 1606, G replaced by A.
Protein change: p.Asp536Asn; replaces aspartic acid 536 with asparagine.
Molecular consequence: missense variant.
Genome position (GRCh38, 1-based): chr1:160,305,494, C>T on the plus strand (G>A on the coding strand, the complement: COPA is on the minus strand). VCF-style: chr1-160305494-C-T. GRCh37 (hg19) VCF-style: chr1-160275284-C-T.
Other names: c.1633G>A, p.Asp545Asn (NM_001098398.2); short protein forms D536N, D545N.
Identifiers: ClinVar variation 3016873 (VCV003016873.3), dbSNP rs773709874, ClinGen allele CA1198050.

ClinVar aggregate classification (germline): Uncertain significance (1 of 4 stars; one submission).

Conditions:
Autoimmune interstitial lung disease-arthritis syndrome. Also called: Autoinflammation and autoimmunity, systemic, with immune dysregulation. Identifiers: Orphanet 444092, MedGen C5975714, MONDO:0014629.

Allele frequency attached by ClinVar (database versions not stated): ExAC 0.00001; TOPMed 0.00002.

Submission:

Labcorp Genetics (formerly Invitae), Labcorp
Classification: Uncertain significance for Autoimmune interstitial lung disease-arthritis syndrome. Last evaluated: 2023-11-25. Review status: criteria provided, single submitter. Criteria: Invitae Variant Classification Sherloc (09022015). Collection method: clinical testing. Allele origin: germline.
Comment: This sequence change replaces aspartic acid, which is acidic and polar, with asparagine, which is neutral and polar, at codon 536 of the COPA protein (p.Asp536Asn). This variant is present in population databases (rs773709874, gnomAD 0.0009%). This variant has not been reported in the literature in individuals affected with COPA-related conditions. Advanced modeling of protein sequence and biophysical properties (such as structural, functional, and spatial information, amino acid conservation, physicochemical variation, residue mobility, and thermodynamic stability) performed at Invitae indicates that this missense variant is not expected to disrupt COPA protein function with a negative predictive value of 80%. In summary, the available evidence is currently insufficient to determine the role of this variant in disease. Therefore, it has been classified as a Variant of Uncertain Significance.